The following is an entry in ClinVar:

ClinVar aggregate classification (germline): Likely benign (1 of 4 stars; one submission).

Conditions:
Retinoblastoma (RB1). Also called: RETINOBLASTOMA, SOMATIC. Identifiers: Orphanet 790, MedGen C0035335, MeSH D012175, MONDO:0008380, OMIM 180200, HP:0009919. Disease mechanism: loss of function. Inheritance: Both sporadic and heritable forms are tested..

Submission:

Genetic Diagnostic Laboratory, University of Pennsylvania School of Medicine
Classification: Likely benign for Retinoblastoma. Last evaluated: 2024-05-20. Review status: criteria provided, single submitter. Criteria: ACMG Guidelines, 2015. Collection method: clinical testing. Allele origin: germline. Affected: yes. Observed: 1 variant allele.
Comment: Case and Pedigree Information: BILATERAL CASES:0, UNILATERAL CASES:1, TOTAL CASES:1, PEDIGREES:1. ACMG Codes Applied:PM2, BP3, BP6

NM_000321.3(RB1):c.69GCC[2] (p.Pro28_Pro29del)

Gene: RB1 (RB transcriptional corepressor 1; plus strand). Cytogenetic location: 13q14.2.
Variant type: Microsatellite.
Coding change: c.69GCC[2] on transcript NM_000321.3 (MANE Select); two copies in a row of the 3-base unit GCC starting at c.69; the reference has four copies in a row; two copies, 6 bases deleted; also written c.75_80del.
Protein change: p.Pro28_Pro29del.
Molecular consequence: inframe deletion.
Genome position (GRCh38, 1-based): chr13:48,303,987-48,303,992, GCCGCC deleted; deleting any 6 consecutive bases within chr13:48,303,979-48,303,992 gives the same sequence; the position shown is the placement nearest the transcript's 3' end. VCF-style (leftmost placement, unchanged base first): chr13-48303978-ACCGCCG-A. GRCh37 (hg19) VCF-style: chr13-48878114-ACCGCCG-A.
Other names: c.69GCC[2], p.Pro28_Pro29del (NM_001407165.1, NM_001407166.1, NM_001407167.1); c.75_80del (NM_000321.3).
Identifiers: ClinVar variation 3237007 (VCV003237007.1), dbSNP rs587778823.